The following is an entry in ClinVar:

NM_004371.4(COPA):c.2010C>A (p.Asp670Glu)

Gene: COPA (coat protein complex I subunit alpha; minus strand). Cytogenetic location: 1q23.2.
Variant type: single nucleotide variant.
Coding change: c.2010C>A on transcript NM_004371.4 (MANE Select); coding-DNA position 2010, C replaced by A.
Protein change: p.Asp670Glu; replaces aspartic acid 670 with glutamic acid.
Molecular consequence: missense variant.
Genome position (GRCh38, 1-based): chr1:160,297,713, G>T on the plus strand (C>A on the coding strand, the complement: COPA is on the minus strand). VCF-style: chr1-160297713-G-T. GRCh37 (hg19) VCF-style: chr1-160267503-G-T.
Other names: c.2037C>A, p.Asp679Glu (NM_001098398.2); short protein forms D679E, D670E.
Identifiers: ClinVar variation 2728826 (VCV002728826.3), dbSNP rs1380121466, ClinGen allele CA343279768.

ClinVar aggregate classification (germline): Uncertain significance (1 of 4 stars; one submission).

Conditions:
Autoimmune interstitial lung disease-arthritis syndrome. Also called: Autoinflammation and autoimmunity, systemic, with immune dysregulation. Identifiers: Orphanet 444092, MedGen C5975714, MONDO:0014629.

Allele frequency attached by ClinVar (database versions not stated): gnomAD exomes below 0.00001.
gnomAD v4.1: 2 of 1,614,104 alleles (0.00012%); highest among the groups gnomAD compares: Admixed American, 0.0017%; no homozygotes.

Submission:

Labcorp Genetics (formerly Invitae), Labcorp
Classification: Uncertain significance for Autoimmune interstitial lung disease-arthritis syndrome. Last evaluated: 2023-04-07. Review status: criteria provided, single submitter. Criteria: Invitae Variant Classification Sherloc (09022015). Collection method: clinical testing. Allele origin: germline.
Comment: In summary, the available evidence is currently insufficient to determine the role of this variant in disease. Therefore, it has been classified as a Variant of Uncertain Significance. Advanced modeling of protein sequence and biophysical properties (such as structural, functional, and spatial information, amino acid conservation, physicochemical variation, residue mobility, and thermodynamic stability) performed at Invitae indicates that this missense variant is not expected to disrupt COPA protein function. This variant has not been reported in the literature in individuals affected with COPA-related conditions. This variant is present in population databases (no rsID available, gnomAD 0.003%). This sequence change replaces aspartic acid, which is acidic and polar, with glutamic acid, which is acidic and polar, at codon 670 of the COPA protein (p.Asp670Glu).